The following is an entry in ClinVar:

ClinVar aggregate classification (germline): Uncertain significance (1 of 4 stars; one submission).

gnomAD v4.1: 3 of 1,590,874 alleles (0.00019%); highest among the groups gnomAD compares: Admixed American, 0.005%; no homozygotes.

Submission:

GeneDx
Classification: Uncertain significance. Last evaluated: 2022-09-23. Review status: criteria provided, single submitter. Criteria: GeneDx Variant Classification Process June 2021. Collection method: clinical testing. Allele origin: germline. Affected: yes.
Comment: Not observed at significant frequency in large population cohorts (gnomAD); In silico analysis supports that this missense variant has a deleterious effect on protein structure/function; Has not been previously published as pathogenic or benign to our knowledge

NM_020937.4(FANCM):c.1192C>G (p.Arg398Gly)

Gene: FANCM (FA complementation group M; plus strand). Cytogenetic location: 14q21.2.
Variant type: single nucleotide variant.
Coding change: c.1192C>G on transcript NM_020937.4 (MANE Select); coding-DNA position 1192, C replaced by G.
Protein change: p.Arg398Gly; replaces arginine 398 with glycine.
Molecular consequence: missense variant.
Genome position (GRCh38, 1-based): chr14:45,154,705, C>G. VCF-style: chr14-45154705-C-G. GRCh37 (hg19) VCF-style: chr14-45623908-C-G.
Other names: c.1114C>G, p.Arg372Gly (NM_001308133.2); c.1192C>G, p.Arg398Gly (NM_001308134.2); short protein forms R372G, R398G.
Identifiers: ClinVar variation 2446292 (VCV002446292.1), dbSNP rs752364451, ClinGen allele CA259616425.